The following is an entry in ClinVar:

ClinVar aggregate classification (germline): Pathogenic. Review status: criteria provided, single submitter (1 of 4 stars). 2 submissions from 2 submitters: Pathogenic (1). 1 of the submissions does not count toward it. Last evaluated 2025-02-27.

Conditions:
Hereditary diffuse leukoencephalopathy with spheroids. Also called: LEUKOENCEPHALOPATHY, ADULT-ONSET, WITH AXONAL SPHEROIDS AND PIGMENTED GLIA. Identifiers: Orphanet 313808, MedGen C3711381, MONDO:0030796.

Submissions (2):

Labcorp Genetics (formerly Invitae), Labcorp
Classification: Pathogenic. Last evaluated: 2025-02-27. Review status: criteria provided, single submitter. Criteria: Invitae Variant Classification Sherloc (09022015). Collection method: clinical testing. Allele origin: germline.
Comment: This sequence change creates a premature translational stop signal (p.Thr567Argfs*45) in the CSF1R gene. It is expected to result in an absent or disrupted protein product. Loss-of-function variants in CSF1R are known to be pathogenic (PMID: 22046273, 24120500, 24145216, 24336230, 30982608, 30982609). This variant is not present in population databases (gnomAD no frequency). This premature translational stop signal has been observed in individual(s) with CSF1R-related conditions (PMID: 23649896). ClinVar contains an entry for this variant (Variation ID: 162109). For these reasons, this variant has been classified as Pathogenic.

GeneReviews
No classification provided. Condition: Hereditary diffuse leukoencephalopathy with spheroids. Review status: no classification provided. Collection method: literature only. Allele origin: germline. Affected: yes. Not counted in ClinVar's aggregate classification.

Literature cited by the submitters: PubMed 22046273 (cited by Labcorp Genetics (formerly Invitae), Labcorp); PubMed 24120500 (cited by Labcorp Genetics (formerly Invitae), Labcorp); PubMed 24145216 (cited by Labcorp Genetics (formerly Invitae), Labcorp); PubMed 24336230 (cited by Labcorp Genetics (formerly Invitae), Labcorp); PubMed 30982608 (cited by Labcorp Genetics (formerly Invitae), Labcorp); PubMed 30982609 (cited by Labcorp Genetics (formerly Invitae), Labcorp); PubMed 23649896 (cited by Labcorp Genetics (formerly Invitae), Labcorp and GeneReviews); NCBI Bookshelf NBK100239 (cited by GeneReviews).

NM_001288705.3(CSF1R):c.1699del (p.Thr567fs)

Gene: CSF1R (colony stimulating factor 1 receptor; minus strand). Cytogenetic location: 5q32.
Variant type: Deletion.
Coding change: c.1699del on transcript NM_001288705.3 (MANE Select); coding-DNA position 1699, one base deleted (A; older notation c.1699delA).
Protein change: p.Thr567fs; shifts the reading frame from threonine 567.
Molecular consequence: frameshift variant. On other transcripts: non-coding transcript variant (2).
Genome position (GRCh38, 1-based): chr5:150,061,777, T deleted on the plus strand (A on the coding strand, the reverse complement: CSF1R is on the minus strand). VCF-style (leftmost placement, unchanged base first): chr5-150061776-GT-G. GRCh37 (hg19) VCF-style: chr5-149441339-GT-G.
Other names: c.1699del, p.Thr567fs (NM_001349736.2, NM_001375320.1, NM_005211.4); c.1255del, p.Thr419fs (NM_001375321.1); c.1699delA (NM_005211.3); short protein forms T567fs, T419fs.
Identifiers: ClinVar variation 162109 (VCV000162109.3), dbSNP rs690016546, ClinGen allele CA346065.